The following is an entry in ClinVar:

ClinVar aggregate classification (germline): Uncertain significance. Review status: criteria provided, multiple submitters, no conflicts (2 of 4 stars). 3 submissions from 3 submitters: Uncertain significance (3). Last evaluated 2022-08-16.

Conditions:
Inborn genetic diseases. Identifiers: MedGen C0950123, MeSH D030342.
Woodhouse-Sakati syndrome. Also called: Hypogonadism, Alopecia, Diabetes Mellitus, Mental Retardation, and Extrapyramidal Syndrome; Hypogonadism, diabetes mellitus, alopecia, mental retardation and electrocardiographic abnormalities; EXTRAPYRAMIDAL DISORDER, PROGRESSIVE, WITH PRIMARY HYPOGONADISM, MENTAL RETARDATION, AND ALOPECIA. Identifiers: Orphanet 3464, MedGen C0342286, MONDO:0009419, OMIM 241080.

Allele frequency attached by ClinVar (database versions not stated): 1000 Genomes Project 0.00020; TOPMed 0.00027; gnomAD exomes 0.00057 and 0.00022; gnomAD 0.00028 and 0.00029; ESP Exome Variant Server 0.00062; 1000 Genomes Project 30x 0.00016; ExAC 0.00025.

Submissions (3):

Labcorp Genetics (formerly Invitae), Labcorp
Classification: Uncertain significance for Woodhouse-Sakati syndrome. Last evaluated: 2022-08-16. Review status: criteria provided, single submitter. Criteria: Invitae Variant Classification Sherloc (09022015). Collection method: clinical testing. Allele origin: germline.
Comment: This sequence change replaces isoleucine, which is neutral and non-polar, with valine, which is neutral and non-polar, at codon 305 of the DCAF17 protein (p.Ile305Val). This variant is present in population databases (rs114419034, gnomAD 0.04%). This variant has not been reported in the literature in individuals affected with DCAF17-related conditions. ClinVar contains an entry for this variant (Variation ID: 332268). Algorithms developed to predict the effect of missense changes on protein structure and function are either unavailable or do not agree on the potential impact of this missense change (SIFT: "Deleterious"; PolyPhen-2: "Probably Damaging"; Align-GVGD: "Class C0"). In summary, the available evidence is currently insufficient to determine the role of this variant in disease. Therefore, it has been classified as a Variant of Uncertain Significance.

Ambry Genetics
Classification: Uncertain significance for Inborn genetic diseases. Last evaluated: 2022-05-27. Review status: criteria provided, single submitter. Criteria: Ambry Variant Classification Scheme 2023. Collection method: clinical testing. Allele origin: germline.

Illumina Laboratory Services, Illumina
Classification: Uncertain significance for Woodhouse-Sakati syndrome. Last evaluated: 2018-01-13. Review status: criteria provided, single submitter. Criteria: ICSL Variant Classification Criteria 13 December 2019. Collection method: clinical testing. Allele origin: germline.

NM_025000.4(DCAF17):c.913A>G (p.Ile305Val)

Gene: DCAF17 (DDB1 and CUL4 associated factor 17; plus strand). Cytogenetic location: 2q31.1.
Variant type: single nucleotide variant.
Coding change: c.913A>G on transcript NM_025000.4 (MANE Select); coding-DNA position 913, A replaced by G.
Protein change: p.Ile305Val; replaces isoleucine 305 with valine.
Molecular consequence: missense variant. On other transcripts: non-coding transcript variant (1).
Genome position (GRCh38, 1-based): chr2:171,468,962, A>G. VCF-style: chr2-171468962-A-G. GRCh37 (hg19) VCF-style: chr2-172325472-A-G.
Other names: c.913A>G, p.Ile305Val (NM_001164821.2); short protein forms I305V.
Identifiers: ClinVar variation 332268 (VCV000332268.11), dbSNP rs114419034, ClinGen allele CA1964826.
Genomic context (GRCh38, chr2:171,468,962, plus strand): 5'-CTCTTTGAGGTGTCATCCCTGGAGAATGCTTTTCAGATTGGAGGCCATCCTTGGCACTAC[A>G]TCGTCACACCTAATAAGAAGAAACAGAAAGGAGTTTTCCATATTTGTGCCCTAAAAGACA-3'
Protein context (NP_079276.2, residues 295-315): FQIGGHPWHY[Ile305Val]VTPNKKKQKG